The following is an entry in ClinVar:

NM_001365999.1(SZT2):c.7619_7620del (p.Ser2540fs)

Gene: SZT2 (SZT2 subunit of KICSTOR complex; plus strand). Cytogenetic location: 1p34.2.
Variant type: Deletion.
Coding change: c.7619_7620del on transcript NM_001365999.1 (MANE Select); coding-DNA positions 7619 to 7620, 2 bases deleted (CA; older notation c.7619_7620delCA).
Protein change: p.Ser2540fs; shifts the reading frame from serine 2540.
Molecular consequence: frameshift variant.
Genome position (GRCh38, 1-based): chr1:43,441,695-43,441,696, CA deleted. VCF-style (leftmost placement, unchanged base first): chr1-43441694-TCA-T. GRCh37 (hg19) VCF-style: chr1-43907365-TCA-T.
Other names: c.7448_7449del, p.Ser2483fs (NM_015284.4); short protein forms S2540fs, S2483fs.
Identifiers: ClinVar variation 2021786 (VCV002021786.4), dbSNP rs2545850999, ClinGen allele CA2580062869.

ClinVar aggregate classification (germline): Pathogenic (1 of 4 stars; one submission).

Submission:

Labcorp Genetics (formerly Invitae), Labcorp
Classification: Pathogenic. Last evaluated: 2022-09-06. Review status: criteria provided, single submitter. Criteria: Invitae Variant Classification Sherloc (09022015). Collection method: clinical testing. Allele origin: germline.
Comment: This variant has not been reported in the literature in individuals affected with SZT2-related conditions. For these reasons, this variant has been classified as Pathogenic. This variant is not present in population databases (gnomAD no frequency). This sequence change creates a premature translational stop signal (p.Ser2483Cysfs*20) in the SZT2 gene. It is expected to result in an absent or disrupted protein product. Loss-of-function variants in SZT2 are known to be pathogenic (PMID: 23932106, 27248490, 28556953).

Literature cited by the submitters: PubMed 23932106; PubMed 27248490; PubMed 28556953.